The following is an entry in ClinVar:

ClinVar aggregate classification (germline): Benign/Likely benign. Review status: criteria provided, multiple submitters, no conflicts (2 of 4 stars). 3 submissions from 3 submitters: Benign (1); Likely benign (1). 1 of the submissions does not count toward it. Last evaluated 2025-11-18.

Conditions:
MAD2L2-related disorder. Also called: MAD2L2-related condition.

Allele frequency attached by ClinVar (database versions not stated): gnomAD exomes 0.00011 and 0.00029; ExAC 0.00031; ESP Exome Variant Server 0.00046; 1000 Genomes Project 30x 0.00078; TOPMed 0.00078; gnomAD 0.00079 and 0.00082; 1000 Genomes Project 0.00080.
gnomAD v4.1: 288 of 1,613,752 alleles (0.018%); highest among the groups gnomAD compares: African/African-American, 0.27%; no homozygotes.

Submissions (3):

Labcorp Genetics (formerly Invitae), Labcorp
Classification: Benign. Last evaluated: 2025-11-18. Review status: criteria provided, single submitter. Criteria: Invitae Variant Classification Sherloc (09022015). Collection method: clinical testing. Allele origin: germline.

Blueprint Genetics
Classification: Likely benign. Last evaluated: 2024-11-11. Review status: criteria provided, single submitter. Criteria: ACMG Guidelines, 2015. Collection method: clinical testing. Allele origin: germline.

PreventionGenetics, part of Exact Sciences
Classification: Likely benign for MAD2L2-related condition. Last evaluated: 2019-07-15. Review status: no assertion criteria provided. Collection method: clinical testing. Allele origin: germline. Not counted in ClinVar's aggregate classification.
Comment: This variant is classified as likely benign based on ACMG/AMP sequence variant interpretation guidelines (Richards et al. 2015 PMID: 25741868, with internal and published modifications).

NM_006341.4(MAD2L2):c.606C>T (p.Tyr202=)

Gene: MAD2L2 (mitotic arrest deficient 2 like 2; minus strand). Cytogenetic location: 1p36.22.
Variant type: single nucleotide variant.
Coding change: c.606C>T on transcript NM_006341.4 (MANE Select); coding-DNA position 606, C replaced by T.
Protein change: p.Tyr202=; no amino-acid change (tyrosine 202 retained).
Molecular consequence: synonymous variant.
Genome position (GRCh38, 1-based): chr1:11,674,805, G>A on the plus strand (C>T on the coding strand, the complement: MAD2L2 is on the minus strand). VCF-style: chr1-11674805-G-A. GRCh37 (hg19) VCF-style: chr1-11734862-G-A.
Other names: c.606C>T, p.Tyr202= (NM_001127325.2).
Identifiers: ClinVar variation 731771 (VCV000731771.11), dbSNP rs143263619, ClinGen allele CA593630.